The following is an entry in ClinVar:

ClinVar aggregate classification (germline): Uncertain significance. Review status: criteria provided, multiple submitters, no conflicts (2 of 4 stars). 2 submissions from 2 submitters: Uncertain significance (2). Last evaluated 2025-09-28.

Conditions:
Hereditary cancer-predisposing syndrome. Also called: Neoplastic Syndromes, Hereditary; Tumor predisposition; Hereditary Cancer Syndrome; Hereditary neoplastic syndrome. Identifiers: Orphanet 140162, MedGen C0027672, MeSH D009386, MONDO:0015356.
Familial adenomatous polyposis 1 (FAP1). Also called: FAMILIAL ADENOMATOUS POLYPOSIS 1, ATTENUATED; POLYPOSIS, ADENOMATOUS INTESTINAL. Identifiers: MedGen C2713442, MONDO:0021056, OMIM 175100. Disease mechanism: loss of function.

Submissions (2):

Labcorp Genetics (formerly Invitae), Labcorp
Classification: Uncertain significance for Familial adenomatous polyposis 1. Last evaluated: 2025-09-28. Review status: criteria provided, single submitter. Criteria: Invitae Variant Classification Sherloc (09022015). Collection method: clinical testing. Allele origin: germline.
Comment: This sequence change replaces lysine, which is basic and polar, with glutamic acid, which is acidic and polar, at codon 1739 of the APC protein (p.Lys1739Glu). This variant is not present in population databases (gnomAD no frequency). This variant has not been reported in the literature in individuals affected with APC-related conditions. ClinVar contains an entry for this variant (Variation ID: 3408583). Invitae Evidence Modeling of protein sequence and biophysical properties (such as structural, functional, and spatial information, amino acid conservation, physicochemical variation, residue mobility, and thermodynamic stability) indicates that this missense variant is not expected to disrupt APC protein function with a negative predictive value of 95%. In summary, the available evidence is currently insufficient to determine the role of this variant in disease. Therefore, it has been classified as a Variant of Uncertain Significance.

Ambry Genetics
Classification: Uncertain significance for Hereditary cancer-predisposing syndrome. Last evaluated: 2024-11-23. Review status: criteria provided, single submitter. Criteria: Ambry Variant Classification Scheme 2023. Collection method: clinical testing. Allele origin: germline.
Comment: The p.K1739E variant (also known as c.5215A>G), located in coding exon 15 of the APC gene, results from an A to G substitution at nucleotide position 5215. The lysine at codon 1739 is replaced by glutamic acid, an amino acid with similar properties. This amino acid position is conserved. In addition, in silico predictors for this gene do not accurately predict pathogenicity. Based on the available evidence, the clinical significance of this variant remains unclear.

NM_000038.6(APC):c.5215A>G (p.Lys1739Glu)

Gene: APC (APC regulator of Wnt signaling pathway; plus strand). Cytogenetic location: 5q22.2.
Variant type: single nucleotide variant.
Coding change: c.5215A>G on transcript NM_000038.6 (MANE Select); coding-DNA position 5215, A replaced by G.
Protein change: p.Lys1739Glu; replaces lysine 1739 with glutamic acid.
Molecular consequence: missense variant. On other transcripts: non-coding transcript variant (2).
Genome position (GRCh38, 1-based): chr5:112,840,809, A>G. VCF-style: chr5-112840809-A-G. GRCh37 (hg19) VCF-style: chr5-112176506-A-G.
Other names: c.5215A>G, p.Lys1739Glu (NM_001127510.3, NM_001354895.2, NM_001407450.1); c.5161A>G, p.Lys1721Glu (NM_001127511.3); c.5269A>G, p.Lys1757Glu (NM_001354896.2, NM_001407447.1, NM_001407448.1 and 1 more transcripts); c.5245A>G, p.Lys1749Glu (NM_001354897.2); c.5140A>G, p.Lys1714Glu (NM_001354898.2); c.5131A>G, p.Lys1711Glu (NM_001354899.2); c.5092A>G, p.Lys1698Glu (NM_001354900.2); c.5038A>G, p.Lys1680Glu (NM_001354901.2, NM_001407453.1); and 11 more; short protein forms K1355E, K1613E, K1648E, K1656E, K1729E, K1732E, K1456E, K1680E.
Identifiers: ClinVar variation 3408583 (VCV003408583.2).